The following is an entry in ClinVar:

NM_002528.7(NTHL1):c.515G>A (p.Gly172Asp)

Gene: NTHL1 (nth like DNA glycosylase 1; minus strand). Cytogenetic location: 16p13.3.
Variant type: single nucleotide variant.
Coding change: c.515G>A on transcript NM_002528.7 (MANE Select); coding-DNA position 515, G replaced by A.
Protein change: p.Gly172Asp; replaces glycine 172 with aspartic acid.
Molecular consequence: missense variant. On other transcripts: intron variant (1).
Genome position (GRCh38, 1-based): chr16:2,044,640, C>T on the plus strand (G>A on the coding strand, the complement: NTHL1 is on the minus strand). VCF-style: chr16-2044640-C-T. GRCh37 (hg19) VCF-style: chr16-2094641-C-T.
Other names: c.185G>A, p.Gly62Asp (NM_001318194.2); c.355-914G>A (NM_001318193.2); short protein forms G172D, G62D.
Identifiers: ClinVar variation 1017680 (VCV001017680.9), dbSNP rs902449328, ClinGen allele CA276764498.

ClinVar aggregate classification (germline): Uncertain significance. Review status: criteria provided, multiple submitters, no conflicts (2 of 4 stars). 2 submissions from 2 submitters: Uncertain significance (2). Last evaluated 2022-09-08.

Conditions:
Hereditary cancer-predisposing syndrome. Also called: Tumor predisposition; Neoplastic Syndromes, Hereditary; Hereditary neoplastic syndrome; Hereditary Cancer Syndrome. Identifiers: Orphanet 140162, MedGen C0027672, MeSH D009386, MONDO:0015356.

Allele frequency attached by ClinVar (database versions not stated): TOPMed 0.00001.

Submissions (2):

Labcorp Genetics (formerly Invitae), Labcorp
Classification: Uncertain significance. Last evaluated: 2022-09-08. Review status: criteria provided, single submitter. Criteria: Invitae Variant Classification Sherloc (09022015). Collection method: clinical testing. Allele origin: germline.
Comment: ClinVar contains an entry for this variant (Variation ID: 1017680). This variant has not been reported in the literature in individuals affected with NTHL1-related conditions. This variant is not present in population databases (gnomAD no frequency). This sequence change replaces glycine, which is neutral and non-polar, with aspartic acid, which is acidic and polar, at codon 180 of the NTHL1 protein (p.Gly180Asp). Algorithms developed to predict the effect of missense changes on protein structure and function are either unavailable or do not agree on the potential impact of this missense change (SIFT: "Not Available"; PolyPhen-2: "Probably Damaging"; Align-GVGD: "Not Available"). In summary, the available evidence is currently insufficient to determine the role of this variant in disease. Therefore, it has been classified as a Variant of Uncertain Significance.

Ambry Genetics
Classification: Uncertain significance for Hereditary cancer-predisposing syndrome. Last evaluated: 2022-03-08. Review status: criteria provided, single submitter. Criteria: Ambry Variant Classification Scheme 2023. Collection method: clinical testing. Allele origin: germline.
Comment: The p.G180D variant (also known as c.539G>A), located in coding exon 3 of the NTHL1 gene, results from a G to A substitution at nucleotide position 539. The glycine at codon 180 is replaced by aspartic acid, an amino acid with similar properties. This amino acid position is conserved. In addition, this alteration is predicted to be deleterious by in silico analysis. Since supporting evidence is limited at this time, the clinical significance of this alteration remains unclear.